The following is an entry in ClinVar:

NM_015202.5(KATNIP):c.358C>T (p.Arg120Cys)

Gene: KATNIP (katanin interacting protein; plus strand). Cytogenetic location: 16p12.1.
Variant type: single nucleotide variant.
Coding change: c.358C>T on transcript NM_015202.5 (MANE Select); coding-DNA position 358, C replaced by T.
Protein change: p.Arg120Cys; replaces arginine 120 with cysteine.
Molecular consequence: missense variant.
Genome position (GRCh38, 1-based): chr16:27,631,112, C>T. VCF-style: chr16-27631112-C-T. GRCh37 (hg19) VCF-style: chr16-27642433-C-T.
Other names: short protein forms R120C.
Identifiers: ClinVar variation 646229 (VCV000646229.7), dbSNP rs764586233, ClinGen allele CA7977294.
Genomic context (GRCh38, chr16:27,631,112, plus strand): 5'-GTCTCTGGTGCAGATTATGGACGAAGAACTCTGTTTCGAGAAGCTGAAGAAGCCTTAAGA[C>T]GCAGTTCACGGACAGCCCCCAGTAAAGTCCAGCGCCGAGGATGGCACCAGGTCTGGAGAC-3'
Protein context (NP_056017.4, residues 110-130): LFREAEEALR[Arg120Cys]SSRTAPSKVQ

ClinVar aggregate classification (germline): Uncertain significance (1 of 4 stars; one submission).

Allele frequency attached by ClinVar (database versions not stated): gnomAD 0.00001; gnomAD exomes 0.00001; TOPMed 0.00002; ExAC 0.00004.
gnomAD v4.1: 16 of 1,578,202 alleles (0.001%); highest among the groups gnomAD compares: African/African-American, 0.0013%; no homozygotes.

Submission:

Labcorp Genetics (formerly Invitae), Labcorp
Classification: Uncertain significance. Last evaluated: 2018-10-09. Review status: criteria provided, single submitter. Criteria: Invitae Variant Classification Sherloc (09022015). Collection method: clinical testing. Allele origin: germline.
Comment: This sequence change replaces arginine with cysteine at codon 120 of the KIAA0556 protein (p.Arg120Cys). The arginine residue is weakly conserved and there is a large physicochemical difference between arginine and cysteine. This variant is present in population databases (rs764586233, ExAC 0.008%). Algorithms developed to predict the effect of missense changes on protein structure and function output the following: SIFT: "Deleterious"; PolyPhen-2: "Benign"; Align-GVGD: "Class C0". The cysteine amino acid residue is found in multiple mammalian species, suggesting that this missense change does not adversely affect protein function. These predictions have not been confirmed by published functional studies and their clinical significance is uncertain. In summary, the available evidence is currently insufficient to determine the role of this variant in disease. Therefore, it has been classified as a Variant of Uncertain Significance.